The following is an entry in ClinVar:

NM_001018115.3(FANCD2):c.1764C>G (p.Asp588Glu)

Genes: FANCD2 (FA complementation group D2; plus strand), LOC107303338 (3p25 FANCD2 Alu-mediated recombination region; plus strand). Cytogenetic location: 3p25.3.
Variant type: single nucleotide variant.
Coding change: c.1764C>G on transcript NM_001018115.3 (MANE Select); coding-DNA position 1764, C replaced by G.
Protein change: p.Asp588Glu; replaces aspartic acid 588 with glutamic acid.
Molecular consequence: missense variant.
Genome position (GRCh38, 1-based): chr3:10,060,401, C>G. VCF-style: chr3-10060401-C-G. GRCh37 (hg19) VCF-style: chr3-10102085-C-G.
Other names: NP_001018125.1:p.Asp588Glu; c.1764C>G (NM_033084.3); c.1764C>G, p.Asp588Glu (NM_001319984.2, NM_001374254.1, NM_033084.6); c.1653C>G, p.Asp551Glu (NM_001374253.1); short protein forms D551E, D588E.
Identifiers: ClinVar variation 1679044 (VCV001679044.3), dbSNP rs764832852, ClinGen allele CA2249774.

ClinVar aggregate classification (germline): Conflicting classifications of pathogenicity. Review status: criteria provided, conflicting classifications (1 of 4 stars). 3 submissions from 3 submitters: Uncertain significance (2); Likely benign (1). Last evaluated 2025-09-11.

Conditions:
Inborn genetic diseases. Identifiers: MedGen C0950123, MeSH D030342.
Hereditary breast ovarian cancer syndrome. Also called: Hereditary breast and ovarian cancer syndrome; BRCA1- and BRCA2-Associated Hereditary Breast and Ovarian Cancer; Hereditary breast and ovarian cancer syndrome (HBOC); Hereditary breast and/or ovarian cancer syndrome; Breast and ovarian cancer; Hereditary breast and ovarian cancer. Identifiers: Orphanet 145, MedGen C0677776, MeSH D061325, MONDO:0003582. Disease mechanism: loss of function.
Fanconi anemia (FA). Also called: Fanconi's anemia. Identifiers: Orphanet 84, MedGen C0015625, MeSH D005199, MONDO:0019391.

Allele frequency attached by ClinVar (database versions not stated): gnomAD 0.00001; ExAC 0.00006; gnomAD exomes 0.00006.
gnomAD v4.1: 42 of 1,611,338 alleles (0.0026%); highest among the groups gnomAD compares: South Asian, 0.045%; no homozygotes.

Submissions (3):

Ambry Genetics
Classification: Uncertain significance for Inborn genetic diseases. Last evaluated: 2025-09-11. Review status: criteria provided, single submitter. Criteria: Ambry Variant Classification Scheme 2023. Collection method: clinical testing. Allele origin: germline.

Labcorp Genetics (formerly Invitae), Labcorp
Classification: Uncertain significance for Fanconi anemia. Last evaluated: 2024-12-07. Review status: criteria provided, single submitter. Criteria: Invitae Variant Classification Sherloc (09022015). Collection method: clinical testing. Allele origin: germline.
Comment: This sequence change replaces aspartic acid, which is acidic and polar, with glutamic acid, which is acidic and polar, at codon 588 of the FANCD2 protein (p.Asp588Glu). This variant is present in population databases (rs764832852, gnomAD 0.05%). This variant has not been reported in the literature in individuals affected with FANCD2-related conditions. ClinVar contains an entry for this variant (Variation ID: 1679044). An algorithm developed to predict the effect of missense changes on protein structure and function (PolyPhen-2) suggests that this variant¬†is likely to be tolerated. In summary, the available evidence is currently insufficient to determine the role of this variant in disease. Therefore, it has been classified as a Variant of Uncertain Significance.

National Health Laboratory Service, Universitas Academic Hospital and University of the Free State
Classification: Likely benign for Hereditary breast ovarian cancer syndrome. Last evaluated: 2022-04-19. Review status: criteria provided, single submitter. Criteria: ACMG Guidelines, 2015. Collection method: clinical testing. Allele origin: germline. Affected: yes. Observed: 1 variant allele.